The following is an entry in ClinVar:

ClinVar aggregate classification (germline): Likely benign. Review status: criteria provided, single submitter (1 of 4 stars). 2 submissions from 2 submitters: Likely benign (1). 1 of the submissions does not count toward it. Last evaluated 2026-01-09.

Conditions:
ABCB11-related disorder. Also called: ABCB11-related condition.

Allele frequency attached by ClinVar (database versions not stated): ExAC 0.00001; gnomAD 0.00013.
gnomAD v4.1: 51 of 1,552,350 alleles (0.0033%); highest among the groups gnomAD compares: Admixed American, 0.036%; no homozygotes.

Submissions (2):

Labcorp Genetics (formerly Invitae), Labcorp
Classification: Likely benign. Last evaluated: 2026-01-09. Review status: criteria provided, single submitter. Criteria: Invitae Variant Classification Sherloc (09022015). Collection method: clinical testing. Allele origin: germline.

PreventionGenetics, part of Exact Sciences
Classification: Likely benign for ABCB11-related condition. Last evaluated: 2021-12-02. Review status: no assertion criteria provided. Collection method: clinical testing. Allele origin: germline. Not counted in ClinVar's aggregate classification.
Comment: This variant is classified as likely benign based on ACMG/AMP sequence variant interpretation guidelines (Richards et al. 2015 PMID: 25741868, with internal and published modifications).

NM_003742.4(ABCB11):c.2343+10C>G

Gene: ABCB11 (ATP binding cassette subfamily B member 11; minus strand). Cytogenetic location: 2q31.1.
Variant type: single nucleotide variant.
Coding change: c.2343+10C>G on transcript NM_003742.4 (MANE Select); 10 bases into the intron after coding-DNA position 2343, C replaced by G.
Molecular consequence: intron variant.
Genome position (GRCh38, 1-based): chr2:168,957,954, G>C on the plus strand (C>G on the coding strand, the complement: ABCB11 is on the minus strand). VCF-style: chr2-168957954-G-C. GRCh37 (hg19) VCF-style: chr2-169814464-G-C.
Other names: c.2343+10C>G (NM_003742.2).
Identifiers: ClinVar variation 1155327 (VCV001155327.11), dbSNP rs200824270, ClinGen allele CA1951307.